The following is an entry in ClinVar:

NM_014141.6(CNTNAP2):c.3649T>C (p.Ser1217Pro)

Gene: CNTNAP2 (contactin associated protein 2; plus strand). Cytogenetic location: 7q36.1.
Variant type: single nucleotide variant.
Coding change: c.3649T>C on transcript NM_014141.6 (MANE Select); coding-DNA position 3649, T replaced by C.
Protein change: p.Ser1217Pro; replaces serine 1217 with proline.
Molecular consequence: missense variant.
Genome position (GRCh38, 1-based): chr7:148,383,822, T>C. VCF-style: chr7-148383822-T-C. GRCh37 (hg19) VCF-style: chr7-148080914-T-C.
Other names: short protein forms S1217P.
Identifiers: ClinVar variation 1519536 (VCV001519536.8), dbSNP rs2116659710, ClinGen allele CA369704847.

ClinVar aggregate classification (germline): Uncertain significance (1 of 4 stars; one submission).

Conditions:
Cortical dysplasia-focal epilepsy syndrome (PTHSL1). Also called: Pitt-Hopkins-like syndrome 1. Identifiers: Orphanet 163681, Orphanet 221150, MedGen C2750246, MONDO:0012400, OMIM 610042.

gnomAD v4.1: 1 of 1,614,098 alleles (0.000062%); highest among the groups gnomAD compares: Non-Finnish European, 0.000085%; no homozygotes.

Submission:

Labcorp Genetics (formerly Invitae), Labcorp
Classification: Uncertain significance for Cortical dysplasia-focal epilepsy syndrome. Last evaluated: 2021-03-25. Review status: criteria provided, single submitter. Criteria: Invitae Variant Classification Sherloc (09022015). Collection method: clinical testing. Allele origin: germline.
Comment: In summary, the available evidence is currently insufficient to determine the role of this variant in disease. Therefore, it has been classified as a Variant of Uncertain Significance. Algorithms developed to predict the effect of missense changes on protein structure and function are either unavailable or do not agree on the potential impact of this missense change (SIFT: "Deleterious"; PolyPhen-2: "Possibly Damaging"; Align-GVGD: "Class C0"). This variant has not been reported in the literature in individuals with CNTNAP2-related conditions. This variant is not present in population databases (ExAC no frequency). This sequence change replaces serine with proline at codon 1217 of the CNTNAP2 protein (p.Ser1217Pro). The serine residue is highly conserved and there is a moderate physicochemical difference between serine and proline.